The following is an entry in ClinVar:

ClinVar aggregate classification (germline): Uncertain significance (1 of 4 stars; one submission).

Allele frequency attached by ClinVar (database versions not stated): TOPMed below 0.00001; gnomAD exomes 0.00001; ExAC 0.00002.

Submission:

Labcorp Genetics (formerly Invitae), Labcorp
Classification: Uncertain significance. Last evaluated: 2022-05-27. Review status: criteria provided, single submitter. Criteria: Invitae Variant Classification Sherloc (09022015). Collection method: clinical testing. Allele origin: germline.
Comment: This variant is present in population databases (rs770645325, gnomAD 0.007%). This sequence change replaces leucine, which is neutral and non-polar, with phenylalanine, which is neutral and non-polar, at codon 992 of the TONSL protein (p.Leu992Phe). This variant has not been reported in the literature in individuals affected with TONSL-related conditions. In summary, the available evidence is currently insufficient to determine the role of this variant in disease. Therefore, it has been classified as a Variant of Uncertain Significance. Algorithms developed to predict the effect of missense changes on protein structure and function (SIFT, PolyPhen-2, Align-GVGD) all suggest that this variant is likely to be tolerated.

NM_013432.5(TONSL):c.2974C>T (p.Leu992Phe)

Gene: TONSL (tonsoku like, DNA repair protein; minus strand). Cytogenetic location: 8q24.3.
Variant type: single nucleotide variant.
Coding change: c.2974C>T on transcript NM_013432.5 (MANE Select); coding-DNA position 2974, C replaced by T.
Protein change: p.Leu992Phe; replaces leucine 992 with phenylalanine.
Molecular consequence: missense variant.
Genome position (GRCh38, 1-based): chr8:144,435,049, G>A on the plus strand (C>T on the coding strand, the complement: TONSL is on the minus strand). VCF-style: chr8-144435049-G-A. GRCh37 (hg19) VCF-style: chr8-145660432-G-A.
Other names: short protein forms L992F.
Identifiers: ClinVar variation 2418159 (VCV002418159.6), dbSNP rs770645325, ClinGen allele CA4942663.
Genomic context (GRCh38, chr8:144,435,049, plus strand): 5'-CTGGCTCCCCCTCCGCTCTGCGGCTCACCTCGTCATTGCTCTGCAGCACATCAGGGATGA[G>A]GTCCTGTGGGGCCAGCAGGGCCCCCTCTTTCCGTAGGGTGAGCCTGGGCAGCAGCCCGCA-3'
Protein context (NP_038460.4, residues 982-1002): KEGALLAPQD[Leu992Phe]IPDVLQSNDE